The following is an entry in ClinVar:

ClinVar aggregate classification (germline): Uncertain significance (1 of 4 stars; one submission).

Conditions:
Noonan syndrome 9 (NS9). Identifiers: Orphanet 648, MedGen C4225282, MONDO:0014691, OMIM 616559.

Submission:

Labcorp Genetics (formerly Invitae), Labcorp
Classification: Uncertain significance for Noonan syndrome 9. Last evaluated: 2022-10-19. Review status: criteria provided, single submitter. Criteria: Invitae Variant Classification Sherloc (09022015). Collection method: clinical testing. Allele origin: germline.
Comment: This sequence change replaces glutamine, which is neutral and polar, with arginine, which is basic and polar, at codon 1281 of the SOS2 protein (p.Gln1281Arg). In summary, the available evidence is currently insufficient to determine the role of this variant in disease. Therefore, it has been classified as a Variant of Uncertain Significance. Advanced modeling of protein sequence and biophysical properties (such as structural, functional, and spatial information, amino acid conservation, physicochemical variation, residue mobility, and thermodynamic stability) performed at Invitae indicates that this missense variant is not expected to disrupt SOS2 protein function. This variant has not been reported in the literature in individuals affected with SOS2-related conditions. This variant is not present in population databases (gnomAD no frequency).

NM_006939.4(SOS2):c.3842A>G (p.Gln1281Arg)

Gene: SOS2 (SOS Ras/Rho guanine nucleotide exchange factor 2; minus strand). Cytogenetic location: 14q21.3.
Variant type: single nucleotide variant.
Coding change: c.3842A>G on transcript NM_006939.4 (MANE Select); coding-DNA position 3842, A replaced by G.
Protein change: p.Gln1281Arg; replaces glutamine 1281 with arginine.
Molecular consequence: missense variant.
Genome position (GRCh38, 1-based): chr14:50,118,501, T>C on the plus strand (A>G on the coding strand, the complement: SOS2 is on the minus strand). VCF-style: chr14-50118501-T-C. GRCh37 (hg19) VCF-style: chr14-50585219-T-C.
Other names: c.3743A>G, p.Gln1248Arg (NM_001411020.1); short protein forms Q1248R, Q1281R.
Identifiers: ClinVar variation 1932100 (VCV001932100.5), dbSNP rs2502755027, ClinGen allele CA389637411.